The following is an entry in ClinVar:

NM_002055.5(GFAP):c.613G>A (p.Glu205Lys)

Gene: GFAP (glial fibrillary acidic protein; minus strand). Cytogenetic location: 17q21.31.
Variant type: single nucleotide variant.
Coding change: c.613G>A on transcript NM_002055.5 (MANE Select); coding-DNA position 613, G replaced by A.
Protein change: p.Glu205Lys; replaces glutamic acid 205 with lysine.
Molecular consequence: missense variant.
Genome position (GRCh38, 1-based): chr17:44,913,733, C>T on the plus strand (G>A on the coding strand, the complement: GFAP is on the minus strand). VCF-style: chr17-44913733-C-T. GRCh37 (hg19) VCF-style: chr17-42991101-C-T.
Other names: c.613G>A, p.Glu205Lys (NM_001131019.3, NM_001242376.3, NM_001363846.2); short protein forms E205K.
Identifiers: ClinVar variation 66488 (VCV000066488.11), dbSNP rs267607507, ClinGen allele CA217197.

ClinVar aggregate classification (germline): Conflicting classifications of pathogenicity. Review status: criteria provided, conflicting classifications (1 of 4 stars). 4 submissions from 4 submitters: Likely pathogenic (1); Uncertain significance (1). 2 of the submissions do not count toward it. Last evaluated 2025-11-05.

Conditions:
Alexander disease (ALXDRD). Also called: Alexander's disease. Identifiers: Orphanet 58, MedGen C0270726, MONDO:0008752, OMIM 203450.

Allele frequency attached by ClinVar (database versions not stated): gnomAD exomes below 0.00001.

Submissions (4):

Women's Health and Genetics/Laboratory Corporation of America, LabCorp
Classification: Likely pathogenic for Alexander disease. Last evaluated: 2025-11-05. Review status: criteria provided, single submitter. Criteria: LabCorp Variant Classification Summary - May 2015. Collection method: clinical testing. Allele origin: germline.
Comment: Variant summary: GFAP c.613G>A (p.Glu205Lys) results in a conservative amino acid change located in the Intermediate filament, rod domain (IPR039008) of the encoded protein sequence. Algorithms developed to predict the effect of missense changes on protein structure and function are either unavailable or do not agree on the potential impact of this missense change. The variant was absent in 251486 control chromosomes. c.613G>A has been observed in individual(s) with features of Alexander Disease (Pareyson_2008, internal testing). These data indicate that the variant is likely to be associated with disease. To our knowledge, no experimental evidence demonstrating an impact on protein function has been reported. The following publications have been ascertained in the context of this evaluation (PMID: 18684770, 21533827). ClinVar contains an entry for this variant (Variation ID: 66488). Based on the evidence outlined above, the variant was classified as likely pathogenic.

Labcorp Genetics (formerly Invitae), Labcorp
Classification: Uncertain significance. Last evaluated: 2024-05-22. Review status: criteria provided, single submitter. Criteria: Invitae Variant Classification Sherloc (09022015). Collection method: clinical testing. Allele origin: germline.
Comment: This sequence change replaces glutamic acid, which is acidic and polar, with lysine, which is basic and polar, at codon 205 of the GFAP protein (p.Glu205Lys). This variant is not present in population databases (gnomAD no frequency). This missense change has been observed in individual(s) with Alexander disease (PMID: 18684770). This missense change has been observed in at least one individual who was not affected with GFAP-related conditions (Invitae). ClinVar contains an entry for this variant (Variation ID: 66488). Advanced modeling of protein sequence and biophysical properties (such as structural, functional, and spatial information, amino acid conservation, physicochemical variation, residue mobility, and thermodynamic stability) has been performed at Invitae for this missense variant, however the output from this modeling did not meet the statistical confidence thresholds required to predict the impact of this variant on GFAP protein function. In summary, the available evidence is currently insufficient to determine the role of this variant in disease. Therefore, it has been classified as a Variant of Uncertain Significance.

Epithelial Biology;  Institute of Medical Biology, Singapore
No classification provided. Review status: no classification provided. Collection method: not provided. Allele origin: not provided. Not counted in ClinVar's aggregate classification.

GeneReviews
No classification provided. Condition: Alexander disease. Review status: no classification provided. Collection method: literature only. Allele origin: germline. Not counted in ClinVar's aggregate classification.

Literature cited by the submitters: PubMed 18684770 (cited by 3 submitters); PubMed 21533827 (cited by Women's Health and Genetics/Laboratory Corporation of America, LabCorp); NCBI Bookshelf NBK1172 (cited by GeneReviews); PubMed 18388212 (cited by GeneReviews).